The following is an entry in ClinVar:

ClinVar aggregate classification (germline): Conflicting classifications of pathogenicity. Review status: criteria provided, conflicting classifications (1 of 4 stars). 9 submissions from 9 submitters: Uncertain significance (5); Likely benign (4). Last evaluated 2026-06-08.

Conditions:
Familial hypercholesterolemia. Also called: Familial hypercholesterolemias; Familial hypercholesterolaemia. Identifiers: MedGen C0020445, MONDO:0005439.
Cardiovascular phenotype. Identifiers: MedGen CN230736.
Familial hypobetalipoproteinemia 1. Also called: Hypobetalipoproteinemia, normotriglyceridemic; Acanthocytosis with hypobetalipoproteinemia; APOB-Related Familial Hypobetalipoproteinemia. Identifiers: MedGen C4551990, MONDO:0014252, OMIM 615558.
Hypercholesterolemia, autosomal dominant, type B (FHCL2). Also called: Familial hypercholesterolemia 2; Familial Hypercholesterolemia Type B; Hyperlipoproteinemia Type IIb; APOB-Related Familial Hypercholesterolemia, Autosomal Dominant; APOLIPOPROTEIN B-100, FAMILIAL DEFECTIVE; APOLIPOPROTEIN B-100, FAMILIAL LIGAND-DEFECTIVE. Identifiers: MedGen C1704417, MONDO:0007751, OMIM 144010.

Allele frequency attached by ClinVar (database versions not stated): ESP Exome Variant Server 0.00008; ExAC 0.00015; gnomAD 0.00017; TOPMed 0.00019; gnomAD exomes 0.00024 and 0.00044.

Submissions (9):

Cambridge Genomics Laboratory, East Genomic Laboratory Hub, NHS Genomic Medicine Service
Classification: Uncertain significance for Familial hypercholesterolaemia. Last evaluated: 2026-06-08. Review status: criteria provided, single submitter. Criteria: ACGS Best Practice Guidelines for Variant Classification in Rare Disease 2020. Collection method: clinical testing. Allele origin: germline. Affected: yes.

CeGaT Center for Human Genetics Tuebingen
Classification: Uncertain significance. Last evaluated: 2026-05-01. Review status: criteria provided, single submitter. Criteria: CeGaT Center For Human Genetics Tuebingen Variant Classification Criteria Version 2. Collection method: clinical testing. Allele origin: germline. Affected: yes. Observed: 1 variant allele.
Comment: APOB: PM2:Supporting, BP4

Women's Health and Genetics/Laboratory Corporation of America, LabCorp
Classification: Likely benign. Last evaluated: 2026-03-26. Review status: criteria provided, single submitter. Criteria: LabCorp Variant Classification Summary - May 2015. Collection method: clinical testing. Allele origin: germline.
Comment: Variant summary: APOB c.13181T>C (p.Val4394Ala) results in a non-conservative amino acid change in the encoded protein sequence. Algorithms developed to predict the effect of missense changes on protein structure and function are either unavailable or do not agree on the potential impact of this missense change. The variant allele was found at a frequency of 0.00024 in 250174 control chromosomes, predominantly at a frequency of 0.00048 within the Non-Finnish European subpopulation in the gnomAD database. The observed variant frequency within Non-Finnish European control individuals in the gnomAD database exceeds the estimated maximal expected allele frequency for disease-causing variants in APOB. c.13181T>C has been observed in individuals affected with Familial Hypercholesterolemia (e.g. Fouchier_2005). These reports do not provide unequivocal conclusions about association of the variant with Familial Hypercholesterolemia. To our knowledge, no experimental evidence demonstrating an impact on protein function has been reported. The following publication has been ascertained in the context of this evaluation (PMID: 16250003). ClinVar contains an entry for this variant (Variation ID: 402382). Based on the evidence outlined above, the variant was classified as likely benign.

Labcorp Genetics (formerly Invitae), Labcorp
Classification: Likely benign for Familial hypobetalipoproteinemia 1; Hypercholesterolemia, autosomal dominant, type B. Last evaluated: 2026-01-25. Review status: criteria provided, single submitter. Criteria: Invitae Variant Classification Sherloc (09022015). Collection method: clinical testing. Allele origin: germline.

Molecular Diagnostic Laboratory for Inherited Cardiovascular Disease, Montreal Heart Institute
Classification: Uncertain significance for Cardiovascular phenotype. Last evaluated: 2025-04-09. Review status: criteria provided, single submitter. Criteria: ACMG Guidelines, 2015. Collection method: clinical testing. Allele origin: germline. Affected: yes.

Mayo Clinic Laboratories, Mayo Clinic
Classification: Likely benign. Last evaluated: 2025-03-18. Review status: criteria provided, single submitter. Criteria: ACMG Guidelines, 2015. Collection method: clinical testing. Allele origin: germline. Observed: 3 variant alleles.
Comment: BS1, BP4

Ambry Genetics
Classification: Likely benign for Cardiovascular phenotype. Last evaluated: 2023-09-05. Review status: criteria provided, single submitter. Criteria: Ambry Variant Classification Scheme 2023. Collection method: clinical testing. Allele origin: germline.

Fulgent Genetics
Classification: Uncertain significance for Hypercholesterolemia, autosomal dominant, type B; Familial hypobetalipoproteinemia 1. Last evaluated: 2021-07-28. Review status: criteria provided, single submitter. Criteria: ACMG Guidelines, 2015. Collection method: clinical testing. Allele origin: unknown.

Laboratory for Molecular Medicine, Mass General Brigham Personalized Medicine
Classification: Uncertain significance. Last evaluated: 2017-03-01. Review status: criteria provided, single submitter. Criteria: LMM Criteria. Collection method: clinical testing. Allele origin: germline.
Comment: Variant identified in a genome or exome case(s) and assessed due to predicted null impact of the variant or pathogenic assertions in the literature or databases. Disclaimer: This variant has not undergone full assessment. The following are preliminary notes: 2 papers from HGMD. Fochier 2005 (16250003) detected variant in 1 individual with FH but no additional information. Huijgen 2010 (20506408) found that this variant doesn't segregate with hypercholesterolemia (LDL levels) in 6 families vs non-carriers. Low freq in ExAC.

Literature cited by the submitters: PubMed 16250003 (cited by 3 submitters); PubMed 20506408 (cited by Mayo Clinic Laboratories, Mayo Clinic and Ambry Genetics); PubMed 33303402 (cited by Mayo Clinic Laboratories, Mayo Clinic); PubMed 35913489 (cited by Mayo Clinic Laboratories, Mayo Clinic); PubMed 36648309 (cited by Mayo Clinic Laboratories, Mayo Clinic); PubMed 20657596 (cited by Ambry Genetics).

NM_000384.3(APOB):c.13181T>C (p.Val4394Ala)

Gene: APOB (apolipoprotein B; minus strand). Cytogenetic location: 2p24.1.
Variant type: single nucleotide variant.
Coding change: c.13181T>C on transcript NM_000384.3 (MANE Select); coding-DNA position 13181, T replaced by C.
Protein change: p.Val4394Ala; replaces valine 4394 with alanine.
Molecular consequence: missense variant.
Genome position (GRCh38, 1-based): chr2:21,002,241, A>G on the plus strand (T>C on the coding strand, the complement: APOB is on the minus strand). VCF-style: chr2-21002241-A-G. GRCh37 (hg19) VCF-style: chr2-21225113-A-G.
Other names: short protein forms V4394A.
Identifiers: ClinVar variation 402382 (VCV000402382.25), dbSNP rs12720843, ClinGen allele CA052093.